The following is an entry in ClinVar:

NM_000548.5(TSC2):c.1765A>G (p.Met589Val)

Gene: TSC2 (TSC complex subunit 2; plus strand). Cytogenetic location: 16p13.3.
Variant type: single nucleotide variant.
Coding change: c.1765A>G on transcript NM_000548.5 (MANE Select); coding-DNA position 1765, A replaced by G.
Protein change: p.Met589Val; replaces methionine 589 with valine.
Molecular consequence: missense variant.
Genome position (GRCh38, 1-based): chr16:2,070,504, A>G. VCF-style: chr16-2070504-A-G. GRCh37 (hg19) VCF-style: chr16-2120505-A-G.
Other names: c.1165A>G, p.Met389Val (NM_001318831.2); c.1798A>G, p.Met600Val (NM_001318832.2); c.1765A>G, p.Met589Val (NM_001363528.2, NM_001370404.1, NM_001370405.1 and 3 more transcripts); c.1654A>G, p.Met552Val (NM_001318827.2); c.1618A>G, p.Met540Val (NM_001318829.2); short protein forms M589V, M552V, M389V, M600V, M540V.
Identifiers: ClinVar variation 578229 (VCV000578229.9), dbSNP rs1567457356, ClinGen allele CA394272870.

ClinVar aggregate classification (germline): Uncertain significance. Review status: criteria provided, multiple submitters, no conflicts (2 of 4 stars). 2 submissions from 2 submitters: Uncertain significance (2). Last evaluated 2025-03-10.

Conditions:
Tuberous sclerosis 2 (TSC2). Identifiers: Orphanet 805, MedGen C1860707, MONDO:0013199, OMIM 613254.
Hereditary cancer-predisposing syndrome. Also called: Hereditary neoplastic syndrome; Tumor predisposition; Hereditary Cancer Syndrome; Neoplastic Syndromes, Hereditary. Identifiers: Orphanet 140162, MedGen C0027672, MeSH D009386, MONDO:0015356.

gnomAD v4.1: 6 of 1,613,412 alleles (0.00037%); highest among the groups gnomAD compares: Non-Finnish European, 0.00051%; no homozygotes.

Submissions (2):

Ambry Genetics
Classification: Uncertain significance for Hereditary cancer-predisposing syndrome. Last evaluated: 2025-03-10. Review status: criteria provided, single submitter. Criteria: Ambry Variant Classification Scheme 2023. Collection method: clinical testing. Allele origin: germline.
Comment: The p.M589V variant (also known as c.1765A>G), located in coding exon 16 of the TSC2 gene, results from an A to G substitution at nucleotide position 1765. The methionine at codon 589 is replaced by valine, an amino acid with highly similar properties. This amino acid position is not well conserved in available vertebrate species. In addition, this alteration is predicted to be tolerated by in silico analysis. Based on the available evidence, the clinical significance of this variant remains unclear.

Labcorp Genetics (formerly Invitae), Labcorp
Classification: Uncertain significance for Tuberous sclerosis 2. Last evaluated: 2024-06-04. Review status: criteria provided, single submitter. Criteria: Invitae Variant Classification Sherloc (09022015). Collection method: clinical testing. Allele origin: germline.
Comment: This sequence change replaces methionine, which is neutral and non-polar, with valine, which is neutral and non-polar, at codon 589 of the TSC2 protein (p.Met589Val). This variant is not present in population databases (gnomAD no frequency). This variant has not been reported in the literature in individuals affected with TSC2-related conditions. ClinVar contains an entry for this variant (Variation ID: 578229). Advanced modeling of protein sequence and biophysical properties (such as structural, functional, and spatial information, amino acid conservation, physicochemical variation, residue mobility, and thermodynamic stability) performed at Invitae indicates that this missense variant is not expected to disrupt TSC2 protein function with a negative predictive value of 95%. In summary, the available evidence is currently insufficient to determine the role of this variant in disease. Therefore, it has been classified as a Variant of Uncertain Significance.